The following is an entry in ClinVar:

NM_005589.4(ALDH6A1):c.262C>T (p.Arg88Cys)

Genes: ALDH6A1 (aldehyde dehydrogenase 6 family member A1; minus strand), BBOF1 (basal body orientation factor 1; plus strand). Cytogenetic location: 14q24.3.
Variant type: single nucleotide variant.
Coding change: c.262C>T on transcript NM_005589.4 (MANE Select); coding-DNA position 262, C replaced by T.
Protein change: p.Arg88Cys; replaces arginine 88 with cysteine.
Molecular consequence: missense variant. On other transcripts: 5 prime UTR variant (1).
Genome position (GRCh38, 1-based): chr14:74,072,289, G>A on the plus strand (C>T on the coding strand, the complement: ALDH6A1 is on the minus strand). VCF-style: chr14-74072289-G-A. GRCh37 (hg19) VCF-style: chr14-74538992-G-A.
Other names: c.262C>T, p.Arg88Cys (NM_001278593.2); c.-364C>T (NM_001278594.2); c.262C>T (NM_005589.2); short protein forms R88C.
Identifiers: ClinVar variation 2071034 (VCV002071034.2), dbSNP rs374367200, ClinGen allele CA7265897.
Genomic context (GRCh38, chr14:74,072,289, plus strand): 5'-AGCGGAGCAAGACCTGCTGGCGGCTTAATACTGAAGTGTCTGCCCATGCAGGAAAAGCAC[G>A]TTTGCAGGAAGCAATGGCTGCATCCATTTCTGCCTTGGTGGCCTGAGGGACCCGACCAAT-3'
Protein context (NP_005580.1, residues 78-98): EMDAAIASCK[Arg88Cys]AFPAWADTSV

ClinVar aggregate classification (germline): Uncertain significance. Review status: criteria provided, multiple submitters, no conflicts (2 of 4 stars). 2 submissions from 2 submitters: Uncertain significance (2). Last evaluated 2024-01-22.

Conditions:
Inborn genetic diseases. Identifiers: MedGen C0950123, MeSH D030342.

Allele frequency attached by ClinVar (database versions not stated): gnomAD 0.00006; TOPMed 0.00007; gnomAD exomes 0.00008; ExAC 0.00009; ESP Exome Variant Server 0.00023.
gnomAD v4.1: 128 of 1,614,116 alleles (0.0079%); highest among the groups gnomAD compares: Middle Eastern, 0.016%; no homozygotes.

Submissions (2):

Ambry Genetics
Classification: Uncertain significance for Inborn genetic diseases. Last evaluated: 2024-01-22. Review status: criteria provided, single submitter. Criteria: Ambry Variant Classification Scheme 2023. Collection method: clinical testing. Allele origin: germline.

Labcorp Genetics (formerly Invitae), Labcorp
Classification: Uncertain significance. Last evaluated: 2022-07-19. Review status: criteria provided, single submitter. Criteria: Invitae Variant Classification Sherloc (09022015). Collection method: clinical testing. Allele origin: germline.
Comment: This sequence change replaces arginine, which is basic and polar, with cysteine, which is neutral and slightly polar, at codon 88 of the ALDH6A1 protein (p.Arg88Cys). This variant is present in population databases (rs374367200, gnomAD 0.02%). This variant has not been reported in the literature in individuals affected with ALDH6A1-related conditions. Advanced modeling of protein sequence and biophysical properties (such as structural, functional, and spatial information, amino acid conservation, physicochemical variation, residue mobility, and thermodynamic stability) performed at Invitae indicates that this missense variant is not expected to disrupt ALDH6A1 protein function. In summary, the available evidence is currently insufficient to determine the role of this variant in disease. Therefore, it has been classified as a Variant of Uncertain Significance.